The following is an entry in ClinVar:

NM_004369.4(COL6A3):c.8514G>A (p.Trp2838Ter)

Gene: COL6A3 (collagen type VI alpha 3 chain; minus strand). Cytogenetic location: 2q37.3.
Variant type: single nucleotide variant.
Coding change: c.8514G>A on transcript NM_004369.4 (MANE Select); coding-DNA position 8514, G replaced by A.
Protein change: p.Trp2838Ter; replaces tryptophan 2838 with a stop codon.
Molecular consequence: nonsense.
Genome position (GRCh38, 1-based): chr2:237,339,068, C>T on the plus strand (G>A on the coding strand, the complement: COL6A3 is on the minus strand). VCF-style: chr2-237339068-C-T. GRCh37 (hg19) VCF-style: chr2-238247711-C-T.
Other names: c.6693G>A, p.Trp2231Ter (NM_057166.5); c.7896G>A, p.Trp2632Ter (NM_057167.4); short protein forms W2632*, W2231*, W2838*.
Identifiers: ClinVar variation 4992762 (VCV004992762.1).

ClinVar aggregate classification (germline): Likely pathogenic (1 of 4 stars; one submission).

Conditions:
COL6A3-related disorder. Also called: COL6A3-related disorders; COL6A3-related condition.

Submission:

PreventionGenetics, part of Exact Sciences
Classification: Likely pathogenic for COL6A3-related condition. Last evaluated: 2026-03-07. Review status: criteria provided, single submitter. Criteria: ACMG Guidelines, 2015. Collection method: clinical testing. Allele origin: germline.
Comment: The COL6A3 c.8514G>A variant is predicted to result in premature protein termination (p.Trp2838*). To our knowledge, this variant has not been reported in the literature or in a large population database (gnomAD), indicating this variant is rare. Nonsense variants in COL6A3 are expected to be pathogenic. This variant is interpreted as likely pathogenic.